The following is an entry in ClinVar:

ClinVar aggregate classification (germline): Uncertain significance (1 of 4 stars; one submission).

Submission:

GeneDx
Classification: Uncertain significance. Last evaluated: 2024-09-06. Review status: criteria provided, single submitter. Criteria: GeneDx Variant Classification Process June 2021. Collection method: clinical testing. Allele origin: germline. Affected: yes.
Comment: Not observed at significant frequency in large population cohorts (gnomAD); In silico analysis supports that this missense variant has a deleterious effect on protein structure/function; Has not been previously published as pathogenic or benign to our knowledge

NM_007118.4(TRIO):c.1351C>T (p.His451Tyr)

Gene: TRIO (trio Rho guanine nucleotide exchange factor; plus strand). Cytogenetic location: 5p15.2.
Variant type: single nucleotide variant.
Coding change: c.1351C>T on transcript NM_007118.4 (MANE Select); coding-DNA position 1351, C replaced by T.
Protein change: p.His451Tyr; replaces histidine 451 with tyrosine.
Molecular consequence: missense variant. On other transcripts: non-coding transcript variant (1).
Genome position (GRCh38, 1-based): chr5:14,297,246, C>T. VCF-style: chr5-14297246-C-T. GRCh37 (hg19) VCF-style: chr5-14297355-C-T.
Other names: short protein forms H451Y.
Identifiers: ClinVar variation 3767393 (VCV003767393.1).
Genomic context (GRCh38, chr5:14,297,246, plus strand): 5'-AAGGCGTTTGCGGCAGCCCTGGATGAGCGGAGCACCTTGCTGGACATGTCCTCCATTTTC[C>T]ACCAGAAGGCCGAAAAGGTCAGTGCCTTGAACCCCCAGCCCACGAGGTGGTAACCAGAAT-3'
Protein context (NP_009049.2, residues 441-461): STLLDMSSIF[His451Tyr]QKAEKYMSNV